The following is an entry in ClinVar:

ClinVar aggregate classification (germline): Uncertain significance (1 of 4 stars; one submission).

Conditions:
Hereditary cancer-predisposing syndrome. Also called: Hereditary Cancer Syndrome; Neoplastic Syndromes, Hereditary; Tumor predisposition; Hereditary neoplastic syndrome. Identifiers: Orphanet 140162, MedGen C0027672, MeSH D009386, MONDO:0015356.

Submission:

Color Diagnostics, LLC DBA Color Health
Classification: Uncertain significance for Hereditary cancer-predisposing syndrome. Last evaluated: 2023-12-04. Review status: criteria provided, single submitter. Criteria: ACMG Guidelines, 2015. Collection method: clinical testing. Allele origin: germline.
Comment: This missense variant replaces methionine with arginine at codon 1525 of the APC protein. Computational prediction is inconclusive regarding the impact of this variant on protein structure and function (internally defined REVEL score threshold 0.5 < inconclusive < 0.7, PMID: 27666373). To our knowledge, functional studies have not been reported for this variant. This variant has not been reported in individuals affected with APC-related disorders in the literature. This variant has not been identified in the general population by the Genome Aggregation Database (gnomAD). The available evidence is insufficient to determine the role of this variant in disease conclusively. Therefore, this variant is classified as a Variant of Uncertain Significance.

NM_000038.6(APC):c.4574T>G (p.Met1525Arg)

Gene: APC (APC regulator of Wnt signaling pathway; plus strand). Cytogenetic location: 5q22.2.
Variant type: single nucleotide variant.
Coding change: c.4574T>G on transcript NM_000038.6 (MANE Select); coding-DNA position 4574, T replaced by G.
Protein change: p.Met1525Arg; replaces methionine 1525 with arginine.
Molecular consequence: missense variant.
Genome position (GRCh38, 1-based): chr5:112,840,168, T>G. VCF-style: chr5-112840168-T-G. GRCh37 (hg19) VCF-style: chr5-112175865-T-G.
Other names: c.4574T>G, p.Met1525Arg (NM_001127510.3, NM_001354895.2); c.4520T>G, p.Met1507Arg (NM_001127511.3); c.4628T>G, p.Met1543Arg (NM_001354896.2); c.4604T>G, p.Met1535Arg (NM_001354897.2); c.4499T>G, p.Met1500Arg (NM_001354898.2); c.4490T>G, p.Met1497Arg (NM_001354899.2); c.4451T>G, p.Met1484Arg (NM_001354900.2); c.4397T>G, p.Met1466Arg (NM_001354901.2); and 5 more; short protein forms M1507R, M1525R, M1242R, M1399R, M1424R, M1434R, M1484R, M1497R.
Identifiers: ClinVar variation 490278 (VCV000490278.6), dbSNP rs1554085979, ClinGen allele CA16031348.